The following is an entry in ClinVar:

NM_017791.3(FLVCR2):c.251G>A (p.Arg84His)

Genes: FLVCR2 (FLVCR choline and putative heme transporter 2; plus strand), FLVCR2-AS1 (FLVCR2 antisense RNA 1; minus strand). Cytogenetic location: 14q24.3.
Variant type: single nucleotide variant.
Coding change: c.251G>A on transcript NM_017791.3 (MANE Select); coding-DNA position 251, G replaced by A.
Protein change: p.Arg84His; replaces arginine 84 with histidine.
Molecular consequence: missense variant. On other transcripts: non-coding transcript variant (1).
Genome position (GRCh38, 1-based): chr14:75,579,223, G>A. VCF-style: chr14-75579223-G-A. GRCh37 (hg19) VCF-style: chr14-76045566-G-A.
Other names: short protein forms R84H.
Identifiers: ClinVar variation 2137607 (VCV002137607.4), dbSNP rs534378451, ClinGen allele CA390446148.

ClinVar aggregate classification (germline): Uncertain significance. Review status: criteria provided, multiple submitters, no conflicts (2 of 4 stars). 3 submissions from 3 submitters: Uncertain significance (3). Last evaluated 2026-03-05.

Conditions:
Proliferative vasculopathy and hydranencephaly-hydrocephaly syndrome. Also called: ENCEPHALOCLASTIC PROLIFERATIVE VASCULOPATHY; HYDRANENCEPHALY, FOWLER TYPE; HYDROCEPHALY/HYDRANENCEPHALY DUE TO CEREBRAL VASCULOPATHY; Fowler syndrome. Identifiers: Orphanet 221126, MedGen C1856972, MONDO:0009168, OMIM 225790.

gnomAD v4.1: 2 of 1,614,240 alleles (0.00012%); highest among the groups gnomAD compares: Non-Finnish European, 0.00017%; no homozygotes.

Submissions (3):

Mendelics
Classification: Uncertain significance for Proliferative vasculopathy and hydranencephaly-hydrocephaly syndrome. Last evaluated: 2026-03-05. Review status: criteria provided, single submitter. Criteria: ACMG Guidelines, 2015. Collection method: clinical testing. Allele origin: unknown.
Comment: The available evidence is insufficient to conclusively determine the role of this variant. Therefore, it is classified as a Variant of Uncertain Significance.

Dasa
Classification: Uncertain significance. Last evaluated: 2025-07-24. Review status: criteria provided, single submitter. Criteria: DASA Assertion Criteria. Collection method: clinical testing. Allele origin: germline.
Comment: NM_017791.3(FLVCR2):c.251G>A (p.Arg84His) is a missense variant that results in the substitution of arginine with histidine. This variant has been observed in affected individuals with FLVCR2-related disorders. Also, this variant is rare in population databases. The currently available literature and clinical evidence are not sufficient to establish a definitive association between this variant and the reported condition. Therefore, this variant is classified as a variant of uncertain significance.

Labcorp Genetics (formerly Invitae), Labcorp
Classification: Uncertain significance. Last evaluated: 2022-08-13. Review status: criteria provided, single submitter. Criteria: Invitae Variant Classification Sherloc (09022015). Collection method: clinical testing. Allele origin: germline.
Comment: This sequence change replaces arginine, which is basic and polar, with histidine, which is basic and polar, at codon 84 of the FLVCR2 protein (p.Arg84His). This variant is not present in population databases (gnomAD no frequency). This missense change has been observed in individual(s) with clinical features of FLVCR2-related conditions (PMID: 20690116). Algorithms developed to predict the effect of missense changes on protein structure and function are either unavailable or do not agree on the potential impact of this missense change (SIFT: "Deleterious"; PolyPhen-2: "Probably Damaging"; Align-GVGD: "Class C0"). In summary, the available evidence is currently insufficient to determine the role of this variant in disease. Therefore, it has been classified as a Variant of Uncertain Significance.

Literature cited by the submitters: PubMed 20690116 (cited by Labcorp Genetics (formerly Invitae), Labcorp).